The following is an entry in ClinVar:

NM_001174089.2(SLC4A11):c.948G>T (p.Glu316Asp)

Gene: SLC4A11 (solute carrier family 4 member 11; minus strand). Cytogenetic location: 20p13.
Variant type: single nucleotide variant.
Coding change: c.948G>T on transcript NM_001174089.2 (MANE Select); coding-DNA position 948, G replaced by T.
Protein change: p.Glu316Asp; replaces glutamic acid 316 with aspartic acid.
Molecular consequence: missense variant. On other transcripts: non-coding transcript variant (3).
Genome position (GRCh38, 1-based): chr20:3,231,330, C>A on the plus strand (G>T on the coding strand, the complement: SLC4A11 is on the minus strand). VCF-style: chr20-3231330-C-A. GRCh37 (hg19) VCF-style: chr20-3211976-C-A.
Other names: c.1077G>T, p.Glu359Asp (NM_001174090.2, NM_001400280.1); c.948G>T, p.Glu316Asp (NM_001363745.2); c.891G>T, p.Glu297Asp (NM_001400277.1, NM_001400278.1, NM_001400279.1); c.996G>T, p.Glu332Asp (NM_032034.4); short protein forms E359D, E316D, E297D, E332D.
Identifiers: ClinVar variation 3720255 (VCV003720255.2).

ClinVar aggregate classification (germline): Uncertain significance (1 of 4 stars; one submission).

Submission:

Labcorp Genetics (formerly Invitae), Labcorp
Classification: Uncertain significance. Last evaluated: 2024-12-03. Review status: criteria provided, single submitter. Criteria: Invitae Variant Classification Sherloc (09022015). Collection method: clinical testing. Allele origin: germline.
Comment: This sequence change replaces glutamic acid, which is acidic and polar, with aspartic acid, which is acidic and polar, at codon 332 of the SLC4A11 protein (p.Glu332Asp). This variant also falls at the last nucleotide of exon 7, which is part of the consensus splice site for this exon. This variant is not present in population databases (gnomAD no frequency). This variant has not been reported in the literature in individuals affected with SLC4A11-related conditions. Invitae Evidence Modeling of protein sequence and biophysical properties (such as structural, functional, and spatial information, amino acid conservation, physicochemical variation, residue mobility, and thermodynamic stability) indicates that this missense variant is not expected to disrupt SLC4A11 protein function with a negative predictive value of 95%. Variants that disrupt the consensus splice site are a relatively common cause of aberrant splicing (PMID: 17576681, 9536098). Algorithms developed to predict the effect of sequence changes on RNA splicing suggest that this variant may disrupt the consensus splice site. In summary, the available evidence is currently insufficient to determine the role of this variant in disease. Therefore, it has been classified as a Variant of Uncertain Significance.

Literature cited by the submitters: PubMed 17576681; PubMed 9536098.